The following is an entry in ClinVar:

ClinVar aggregate classification (germline): Likely pathogenic (1 of 4 stars; one submission).

Submissions (2):

GeneDx
Classification: Likely pathogenic. Last evaluated: 2025-03-13. Review status: criteria provided, single submitter. Criteria: GeneDx Variant Classification Process June 2021. Collection method: clinical testing. Allele origin: germline. Affected: yes.
Comment: Canonical splice site variant predicted to result in an in-frame loss of the adjacent exon in a gene for which loss of function is a known mechanism of disease; Deletions involving coding exons of this gene are a known mechanism of disease (HGMD; other references); Not observed at significant frequency in large population cohorts (gnomAD); This variant is associated with the following publications: (PMID: 37230223)

Dr. Peter K. Rogan Lab, Western University
No classification provided (evidence only). Condition: Nonpapillary renal cell carcinoma. Review status: no classification provided. Collection method: in vitro. Allele origin: not applicable. Functional consequence: retained intron. Not counted in ClinVar's aggregate classification.

NM_003611.3(OFD1):c.2260+1G>A

Gene: OFD1 (OFD1 centriole and centriolar satellite protein; plus strand). Cytogenetic location: Xp22.2.
Variant type: single nucleotide variant.
Coding change: c.2260+1G>A on transcript NM_003611.3 (MANE Select); the canonical splice donor site of the intron after coding-DNA position 2260, G replaced by A.
Molecular consequence: splice donor variant.
Genome position (GRCh38, 1-based): chrX:13,760,721, G>A. VCF-style: chrX-13760721-G-A. GRCh37 (hg19) VCF-style: chrX-13778840-G-A.
Other names: NC_000023.10:g.13778840G>A; c.1840+1G>A (NM_001330210.2); c.2260+1G>A (NM_001440947.1); c.2140+1G>A (NM_001330209.2, NM_001440948.1).
Identifiers: ClinVar variation 4083261 (VCV004083261.2).
Genomic context (GRCh38, chrX:13,760,721, plus strand): 5'-TCTCTTCCACACCCCTTCCAAAAGCAAAAAGAAGCCTCGAAAGTGAAATGTATCTGGAAG[G>A]TAAGCCACCCGCACAAAGGGTTGCGGGGTGCTCTGGAGTTGGGTAGCCACCCTGCCCACG-3'